The following is an entry in ClinVar:

ClinVar aggregate classification (germline): Uncertain significance (1 of 4 stars; one submission).

Submission:

Mayo Clinic Laboratories, Mayo Clinic
Classification: Uncertain significance. Last evaluated: 2025-09-25. Review status: criteria provided, single submitter. Criteria: ACMG Guidelines, 2015. Collection method: clinical testing. Allele origin: germline. Observed: 1 variant allele.
Comment: PM2_supporting

NM_144599.5(NIPA1):c.83T>G (p.Val28Gly)

Genes: NIPA1 (NIPA magnesium transporter 1; plus strand), LOC130056709 (ATAC-STARR-seq lymphoblastoid silent region 6259; plus strand). Cytogenetic location: 15q11.2.
Variant type: single nucleotide variant.
Coding change: c.83T>G on transcript NM_144599.5 (MANE Select); coding-DNA position 83, T replaced by G.
Protein change: p.Val28Gly; replaces valine 28 with glycine.
Molecular consequence: missense variant. On other transcripts: intron variant (1).
Genome position (GRCh38, 1-based): chr15:22,786,739, T>G. VCF-style: chr15-22786739-T-G. GRCh37 (hg19) VCF-style: chr15-23086329-A-C.
Other names: p.Val28Gly; c.-48+491T>G (NM_001142275.1); short protein forms V28G.
Identifiers: ClinVar variation 4541914 (VCV004541914.1).
Genomic context (GRCh38, chr15:22,786,739, plus strand): 5'-CGGCGGCGGCGGCGGCGGCGGCGGCCGGGGAGGGGGCGCGTAGCCCGAGCCCCGCCGCCG[T>G]GTCGCTCGGCCTGGGCGTGGCCGTCGTGTCGAGCCTGGTGAACGGGTCCACGTTCGTGCT-3'
Protein context (NP_653200.2, residues 18-38): EGARSPSPAA[Val28Gly]SLGLGVAVVS